The following is an entry in ClinVar:

ClinVar aggregate classification (germline): Likely benign (1 of 4 stars; one submission).

Submission:

CeGaT Center for Human Genetics Tuebingen
Classification: Likely benign. Last evaluated: 2024-09-01. Review status: criteria provided, single submitter. Criteria: CeGaT Center For Human Genetics Tuebingen Variant Classification Criteria Version 2. Collection method: clinical testing. Allele origin: germline. Affected: yes. Observed: 1 variant allele.
Comment: TYRO3: PM2:Supporting, BP4, BP7

NM_006293.4(TYRO3):c.1245C>T (p.Asp415=)

Gene: TYRO3 (TYRO3 protein tyrosine kinase; plus strand). Cytogenetic location: 15q15.1.
Variant type: single nucleotide variant.
Coding change: c.1245C>T on transcript NM_006293.4 (MANE Select); coding-DNA position 1245, C replaced by T.
Protein change: p.Asp415=; no amino-acid change (aspartic acid 415 retained).
Molecular consequence: synonymous variant.
Genome position (GRCh38, 1-based): chr15:41,569,015, C>T. VCF-style: chr15-41569015-C-T. GRCh37 (hg19) VCF-style: chr15-41861213-C-T.
Other names: c.1110C>T, p.Asp370= (NM_001330264.2).
Identifiers: ClinVar variation 3389664 (VCV003389664.14).